The following is an entry in ClinVar:

ClinVar aggregate classification (germline): Conflicting classifications of pathogenicity. Review status: criteria provided, conflicting classifications (1 of 4 stars). 2 submissions from 2 submitters: Uncertain significance (1); Likely benign (1). Last evaluated 2018-02-23.

Conditions:
Neuronal ceroid lipofuscinosis 5 (CLN5). Also called: CLN5-Related Neuronal Ceroid-Lipofuscinosis; Neuronal ceroid lipofuscinosis Finnish variant; NEURONAL CEROID LIPOFUSCINOSIS, LATE INFANTILE, FINNISH VARIANT; CEROID LIPOFUSCINOSIS, NEURONAL, 5, VARIABLE AGE AT ONSET. Identifiers: Orphanet 168491, Orphanet 228360, MedGen C1850442, MONDO:0009745, OMIM 256731.

Allele frequency attached by ClinVar (database versions not stated): TOPMed 0.00002; gnomAD 0.00005 and 0.00004; 1000 Genomes Project 30x 0.00016; ExAC below 0.00001; gnomAD exomes 0.00002.

Submissions (2):

GeneDx
Classification: Likely benign. Last evaluated: 2018-02-23. Review status: criteria provided, single submitter. Criteria: GeneDx Variant Classification (06012015). Collection method: clinical testing. Allele origin: germline. Affected: yes.
Comment: This variant is considered likely benign or benign based on one or more of the following criteria: it is a conservative change, it occurs at a poorly conserved position in the protein, it is predicted to be benign by multiple in silico algorithms, and/or has population frequency not consistent with disease.

Illumina Laboratory Services, Illumina
Classification: Uncertain significance for Neuronal ceroid lipofuscinosis 5. Last evaluated: 2018-01-13. Review status: criteria provided, single submitter. Criteria: ICSL Variant Classification Criteria 13 December 2019. Collection method: clinical testing. Allele origin: germline.

NM_006493.2(CLN5):c.-8G>A

Gene: CLN5 (CLN5 lysosomal BMP synthase; plus strand). Cytogenetic location: 13q22.3.
Variant type: single nucleotide variant.
Coding change: c.-8G>A on transcript NM_006493.2; 8 bases upstream of the start codon, G replaced by A.
Genome position (GRCh38, 1-based): chr13:76,991,944, G>A. VCF-style: chr13-76991944-G-A. GRCh37 (hg19) VCF-style: chr13-77566079-G-A.
Identifiers: ClinVar variation 515683 (VCV000515683.7), dbSNP rs772316134, ClinGen allele CA7007061.